The following is an entry in ClinVar:

NM_005188.4(CBL):c.634G>C (p.Val212Leu)

Gene: CBL (Cbl proto-oncogene; plus strand). Cytogenetic location: 11q23.3.
Variant type: single nucleotide variant.
Coding change: c.634G>C on transcript NM_005188.4 (MANE Select); coding-DNA position 634, G replaced by C.
Protein change: p.Val212Leu; replaces valine 212 with leucine.
Molecular consequence: missense variant.
Genome position (GRCh38, 1-based): chr11:119,273,911, G>C. VCF-style: chr11-119273911-G-C. GRCh37 (hg19) VCF-style: chr11-119144621-G-C.
Other names: short protein forms V212L.
Identifiers: ClinVar variation 4613852 (VCV004613852.1).

ClinVar aggregate classification (germline): Uncertain significance (1 of 4 stars; one submission).

Conditions:
Cardiovascular phenotype. Identifiers: MedGen CN230736.

Submission:

Ambry Genetics
Classification: Uncertain significance for Cardiovascular phenotype. Last evaluated: 2025-10-29. Review status: criteria provided, single submitter. Criteria: Ambry Variant Classification Scheme 2023. Collection method: clinical testing. Allele origin: germline.
Comment: The p.V212L variant (also known as c.634G>C), located in coding exon 4 of the CBL gene, results from a G to C substitution at nucleotide position 634. The valine at codon 212 is replaced by leucine, an amino acid with highly similar properties. This amino acid position is conserved. In addition, the in silico prediction for this alteration is inconclusive. Based on the available evidence, the clinical significance of this variant remains unclear.